The following is an entry in ClinVar:

NM_032977.4(CASP10):c.130A>T (p.Ile44Leu)

Gene: CASP10 (caspase 10; plus strand). Cytogenetic location: 2q33.1.
Variant type: single nucleotide variant.
Coding change: c.130A>T on transcript NM_032977.4 (MANE Select); coding-DNA position 130, A replaced by T.
Protein change: p.Ile44Leu; replaces isoleucine 44 with leucine.
Molecular consequence: missense variant.
Genome position (GRCh38, 1-based): chr2:201,185,907, A>T. VCF-style: chr2-201185907-A-T. GRCh37 (hg19) VCF-style: chr2-202050630-A-T.
Other names: c.130A>T (NM_032977.3); c.130A>T, p.Ile44Leu (NM_001206524.2, NM_001206542.2, NM_001230.5 and 3 more transcripts); short protein forms I44L.
Identifiers: ClinVar variation 1370585 (VCV001370585.9), dbSNP rs766784091, ClinGen allele CA2052780.

ClinVar aggregate classification (germline): Uncertain significance. Review status: criteria provided, multiple submitters, no conflicts (2 of 4 stars). 2 submissions from 2 submitters: Uncertain significance (2). Last evaluated 2025-08-19.

Conditions:
Autoimmune lymphoproliferative syndrome type 2A (ALPS2A). Also called: Autoimmune lymphoproliferative syndrome type 2; CASP10-Related Autoimmune Lymphoproliferative Syndrome; AUTOIMMUNE LYMPHOPROLIFERATIVE SYNDROME, TYPE IIA. Identifiers: Orphanet 3261, MedGen C1858968, MONDO:0011383, OMIM 603909.

gnomAD v4.1: 51 of 1,614,184 alleles (0.0032%); highest among the groups gnomAD compares: South Asian, 0.054%; no homozygotes.

Submissions (2):

Ambry Genetics
Classification: Uncertain significance. Last evaluated: 2025-08-19. Review status: criteria provided, single submitter. Criteria: Ambry Variant Classification Scheme 2023. Collection method: clinical testing. Allele origin: germline.

Labcorp Genetics (formerly Invitae), Labcorp
Classification: Uncertain significance for Autoimmune lymphoproliferative syndrome type 2A. Last evaluated: 2021-07-15. Review status: criteria provided, single submitter. Criteria: Invitae Variant Classification Sherloc (09022015). Collection method: clinical testing. Allele origin: germline.
Comment: This variant has not been reported in the literature in individuals affected with CASP10-related conditions. This variant is present in population databases (rs766784091, ExAC 0.02%). This sequence change replaces isoleucine with leucine at codon 44 of the CASP10 protein (p.Ile44Leu). The isoleucine residue is weakly conserved and there is a small physicochemical difference between isoleucine and leucine. In summary, the available evidence is currently insufficient to determine the role of this variant in disease. Therefore, it has been classified as a Variant of Uncertain Significance. Algorithms developed to predict the effect of missense changes on protein structure and function output the following: SIFT: "Tolerated"; PolyPhen-2: "Benign"; Align-GVGD: "Class C0". The leucine amino acid residue is found in multiple mammalian species, which suggests that this missense change does not adversely affect protein function.